The following is an entry in ClinVar:

NM_000098.3(CPT2):c.1519G>A (p.Val507Ile)

Gene: CPT2 (carnitine palmitoyltransferase 2; plus strand). Cytogenetic location: 1p32.3.
Variant type: single nucleotide variant.
Coding change: c.1519G>A on transcript NM_000098.3 (MANE Select); coding-DNA position 1519, G replaced by A.
Protein change: p.Val507Ile; replaces valine 507 with isoleucine.
Molecular consequence: missense variant.
Genome position (GRCh38, 1-based): chr1:53,211,193, G>A. VCF-style: chr1-53211193-G-A. GRCh37 (hg19) VCF-style: chr1-53676865-G-A.
Other names: c.1519G>A, p.Val507Ile (NM_001330589.2); short protein forms V507I.
Identifiers: ClinVar variation 429623 (VCV000429623.21), dbSNP rs142600166, ClinGen allele CA859228.

ClinVar aggregate classification (germline): Conflicting classifications of pathogenicity. Review status: criteria provided, conflicting classifications (1 of 4 stars). 9 submissions from 9 submitters: Uncertain significance (6); Likely benign (2). 1 of the submissions does not count toward it. Last evaluated 2026-02-05.

Conditions:
Inborn genetic diseases. Identifiers: MedGen C0950123, MeSH D030342.
Carnitine palmitoyltransferase II deficiency. Also called: Carnitine Palmitoyltransferase 2 Deficiency. Identifiers: Orphanet 157, MedGen C0342790, MONDO:0015515.

Allele frequency attached by ClinVar (database versions not stated): gnomAD exomes 0.00004 and 0.00021; 1000 Genomes Project 30x 0.00016; 1000 Genomes Project 0.00020; gnomAD 0.00023 and 0.00024; ExAC 0.00025; TOPMed 0.00026; ESP Exome Variant Server 0.00054.
gnomAD v4.1: 100 of 1,608,570 alleles (0.0062%); highest among the groups gnomAD compares: African/African-American, 0.068%; no homozygotes.

Submissions (9):

Women's Health and Genetics/Laboratory Corporation of America, LabCorp
Classification: Uncertain significance. Last evaluated: 2026-02-05. Review status: criteria provided, single submitter. Criteria: LabCorp Variant Classification Summary - May 2015. Collection method: clinical testing. Allele origin: germline.
Comment: Variant summary: CPT2 c.1519G>A (p.Val507Ile) results in a conservative amino acid change in the encoded protein sequence. Algorithms developed to predict the effect of missense changes on protein structure and function all suggest that this variant is likely to be tolerated. The variant allele was found at a frequency of 0.00021 in 246568 control chromosomes (gnomAD). This frequency is not significantly higher than estimated for disease-causing variants in CPT2, allowing no conclusion about variant significance. c.1519G>A has been reported in the literature in individuals affected with hyperCKemia, myalgia, and exercise intolerance without strong evidence of causality (Invernizzi_2023). This report does not provide unequivocal conclusions about association of the variant with Carnitine Palmitoyltransferase II Deficiency. To our knowledge, no experimental evidence demonstrating an impact on protein function has been reported. The following publication have been ascertained in the context of this evaluation (PMID: 37510298). ClinVar contains an entry for this variant (Variation ID: 429623). Based on the evidence outlined above, the variant was classified as uncertain significance.

Labcorp Genetics (formerly Invitae), Labcorp
Classification: Likely benign for Carnitine palmitoyltransferase II deficiency. Last evaluated: 2026-01-27. Review status: criteria provided, single submitter. Criteria: Invitae Variant Classification Sherloc (09022015). Collection method: clinical testing. Allele origin: germline.

ARUP Laboratories, Molecular Genetics and Genomics, ARUP Laboratories
Classification: Uncertain significance. Last evaluated: 2025-04-08. Review status: criteria provided, single submitter. Criteria: ARUP Molecular Germline Variant Investigation Process 2024. Collection method: clinical testing. Allele origin: germline.
Comment: The CPT2 c.1519G>A; p.Val507Ile variant (rs141553491, ClinVar Variation ID 429622) is reported in the literature in one individual affected with myalgia, who also carried two other CPT2 variants, p.Val446Ile and p.Gln304His (Invernizzi 2023). The p.Val507Ile variant is found in the East Asian population with an allele frequency of 0.146 % (29/19,858 alleles) in the Genome Aggregation Database (v2.1.1). Computational analyses are uncertain whether this variant is neutral or deleterious (REVEL: 0.245). Due to limited information, the clinical significance of p.Val507Ile variant is uncertain at this time. References: Invernizzi F et al. NGS-Based Genetic Analysis in a Cohort of Italian Patients with Suspected Inherited Myopathies and/or HyperCKemia. Genes (Basel). 2023 Jul 2;14(7):1393. PMID: 37510298.

Blueprint Genetics
Classification: Uncertain significance. Last evaluated: 2024-10-09. Review status: criteria provided, single submitter. Criteria: ACMG Guidelines, 2015. Collection method: clinical testing. Allele origin: germline.

GeneDx
Classification: Uncertain significance. Last evaluated: 2024-10-01. Review status: criteria provided, single submitter. Criteria: GeneDx Variant Classification Process June 2021. Collection method: clinical testing. Allele origin: germline. Affected: yes.
Comment: In silico analysis indicates that this missense variant does not alter protein structure/function; This variant is associated with the following publications: (PMID: 37510298)

Illumina Laboratory Services, Illumina
Classification: Uncertain significance for Carnitine palmitoyltransferase II deficiency. Last evaluated: 2024-02-05. Review status: criteria provided, single submitter. Criteria: ISL SNV Classification Criteria 03 February 2026. Collection method: clinical testing. Allele origin: unknown.
Comment: The CPT2 c.1519G>A p.(Val507Ile) missense variant been reported in an individual with high CK, myalgia, exercise intolerance. This individual was also noted to carry two other missense variants in this gene of unknown phase (PMID: 37510298). This variant is not observed at a significant frequency in version 2.1.1 or version 4.0.0 of the Genome Aggregation Database. Based on the available evidence, the c.1519G>A p.(Val507Ile) variant is classified as a variant of uncertain significance for carnitine palmitoyltransferase II deficiency.

Ambry Genetics
Classification: Likely benign for Inborn genetic diseases. Last evaluated: 2021-12-03. Review status: criteria provided, single submitter. Criteria: Ambry Variant Classification Scheme 2023. Collection method: clinical testing. Allele origin: germline.

Revvity Omics, Revvity
Classification: Uncertain significance. Last evaluated: 2019-12-20. Review status: criteria provided, single submitter. Criteria: ACMG Guidelines, 2015. Collection method: clinical testing. Allele origin: germline.

Natera, Inc.
Classification: Uncertain significance for Carnitine palmitoyltransferase II deficiency. Last evaluated: 2020-01-17. Review status: no assertion criteria provided. Collection method: clinical testing. Allele origin: germline. Not counted in ClinVar's aggregate classification.

Literature cited by the submitters: PubMed 37510298 (cited by Women's Health and Genetics/Laboratory Corporation of America, LabCorp and Illumina Laboratory Services, Illumina).